The following is an entry in ClinVar:

ClinVar aggregate classification (germline): Pathogenic (1 of 4 stars; one submission).

Conditions:
Multiple endocrine neoplasia, type 1 (MEN1). Also called: MEN I; WERMER SYNDROME; Endocrine adenomatosis multiple; MEN 1; MEA I. Identifiers: Orphanet 652, MedGen C0025267, MeSH D018761, MONDO:0007540, OMIM 131100.

Submission:

Labcorp Genetics (formerly Invitae), Labcorp
Classification: Pathogenic for Multiple endocrine neoplasia, type 1. Last evaluated: 2025-02-26. Review status: criteria provided, single submitter. Criteria: Invitae Variant Classification Sherloc (09022015). Collection method: clinical testing. Allele origin: germline.
Comment: This sequence change creates a premature translational stop signal (p.Trp126*) in the MEN1 gene. It is expected to result in an absent or disrupted protein product. Loss-of-function variants in MEN1 are known to be pathogenic (PMID: 12112656, 17853334). This variant is not present in population databases (gnomAD no frequency). This premature translational stop signal has been observed in individual(s) with multiple endocrine neoplasia type 1 (PMID: 9463336). ClinVar contains an entry for this variant (Variation ID: 1409804). For these reasons, this variant has been classified as Pathogenic.

Literature cited by the submitters: PubMed 12112656; PubMed 17853334; PubMed 9463336.

NM_001370259.2(MEN1):c.377G>A (p.Trp126Ter)

Gene: MEN1 (menin 1; minus strand). Cytogenetic location: 11q13.1.
Variant type: single nucleotide variant.
Coding change: c.377G>A on transcript NM_001370259.2 (MANE Select); coding-DNA position 377, G replaced by A.
Protein change: p.Trp126Ter; replaces tryptophan 126 with a stop codon.
Molecular consequence: nonsense.
Genome position (GRCh38, 1-based): chr11:64,809,733, C>T on the plus strand (G>A on the coding strand, the complement: MEN1 is on the minus strand). VCF-style: chr11-64809733-C-T. GRCh37 (hg19) VCF-style: chr11-64577205-C-T.
Other names: c.377G>A, p.Trp126Ter (NM_000244.4, NM_001370251.2, NM_001370260.2 and 9 more transcripts); short protein forms W126*.
Identifiers: ClinVar variation 1409804 (VCV001409804.6), dbSNP rs2136181049, ClinGen allele CA381187295.
Genomic context (GRCh38, chr11:64,809,733, plus strand): 5'-AAGCTGAAGAGGGACTGGATGTGGGCCCGATCCTTGAAGTAGGAGCGGCTGAGGCTGTTC[C>T]ATATGACATCGGAGACCTTCTTCACCAGCTCACGGCTGGAGACACCCCCTTCTCGAGGAT-3'